The following is an entry in ClinVar:

ClinVar aggregate classification (germline): Uncertain significance. Review status: criteria provided, multiple submitters, no conflicts (2 of 4 stars). 3 submissions from 3 submitters: Uncertain significance (3). Last evaluated 2024-11-12.

Conditions:
Muscular dystrophy-dystroglycanopathy type B6 (MDDGB6). Also called: MUSCULAR DYSTROPHY-DYSTROGLYCANOPATHY (CONGENITAL WITH IMPAIRED INTELLECTUAL DEVELOPMENT), TYPE B, 6; MUSCULAR DYSTROPHY, CONGENITAL, LARGE-RELATED; MUSCULAR DYSTROPHY, CONGENITAL, TYPE 1D. Identifiers: MedGen C1837229, MONDO:0012138, OMIM 608840.

Allele frequency attached by ClinVar (database versions not stated): gnomAD exomes 0.00002 and 0.00004; ExAC 0.00004; gnomAD 0.00009 and 0.00011; TOPMed 0.00010; ESP Exome Variant Server 0.00015; 1000 Genomes Project 0.00020; 1000 Genomes Project 30x 0.00031.
gnomAD v4.1: 52 of 1,614,272 alleles (0.0032%); highest among the groups gnomAD compares: African/African-American, 0.029%; no homozygotes.

Submissions (3):

GeneDx
Classification: Uncertain significance. Last evaluated: 2024-11-12. Review status: criteria provided, single submitter. Criteria: GeneDx Variant Classification Process June 2021. Collection method: clinical testing. Allele origin: germline. Affected: yes.
Comment: In silico analysis supports that this missense variant has a deleterious effect on protein structure/function; Has not been previously published as pathogenic or benign to our knowledge; This variant is associated with the following publications: (PMID: 25279699, 24709677)

Revvity Omics, Revvity
Classification: Uncertain significance. Last evaluated: 2024-01-18. Review status: criteria provided, single submitter. Criteria: ACMG Guidelines, 2015. Collection method: clinical testing. Allele origin: germline.

Labcorp Genetics (formerly Invitae), Labcorp
Classification: Uncertain significance for Muscular dystrophy-dystroglycanopathy type B6. Last evaluated: 2022-08-10. Review status: criteria provided, single submitter. Criteria: Invitae Variant Classification Sherloc (09022015). Collection method: clinical testing. Allele origin: germline.
Comment: This sequence change replaces valine, which is neutral and non-polar, with methionine, which is neutral and non-polar, at codon 549 of the LARGE1 protein (p.Val549Met). This variant is present in population databases (rs149646216, gnomAD 0.03%). This variant has not been reported in the literature in individuals affected with LARGE1-related conditions. ClinVar contains an entry for this variant (Variation ID: 1040991). Algorithms developed to predict the effect of missense changes on protein structure and function are either unavailable or do not agree on the potential impact of this missense change (SIFT: "Deleterious"; PolyPhen-2: "Probably Damaging"; Align-GVGD: "Class C0"). In summary, the available evidence is currently insufficient to determine the role of this variant in disease. Therefore, it has been classified as a Variant of Uncertain Significance.

NM_133642.5(LARGE1):c.1645G>A (p.Val549Met)

Gene: LARGE1 (LARGE xylosyl- and glucuronyltransferase 1; minus strand). Cytogenetic location: 22q12.3.
Variant type: single nucleotide variant.
Coding change: c.1645G>A on transcript NM_133642.5 (MANE Select); coding-DNA position 1645, G replaced by A.
Protein change: p.Val549Met; replaces valine 549 with methionine.
Molecular consequence: missense variant.
Genome position (GRCh38, 1-based): chr22:33,304,314, C>T on the plus strand (G>A on the coding strand, the complement: LARGE1 is on the minus strand). VCF-style: chr22-33304314-C-T. GRCh37 (hg19) VCF-style: chr22-33700300-C-T.
Other names: c.1645G>A, p.Val549Met (NM_001362949.2, NM_001362951.2, NM_001362953.2 and 6 more transcripts); c.1489G>A, p.Val497Met (NM_001378629.1); c.1042G>A, p.Val348Met (NM_001378630.1); c.886G>A, p.Val296Met (NM_001378631.1); c.1645G>A (NM_004737.6); short protein forms V296M, V497M, V549M, V348M.
Identifiers: ClinVar variation 1040991 (VCV001040991.11), dbSNP rs149646216, ClinGen allele CA10202694.